The following is an entry in ClinVar:

NM_005609.4(PYGM):c.739G>A (p.Ala247Thr)

Gene: PYGM (glycogen phosphorylase, muscle associated; minus strand). Cytogenetic location: 11q13.1.
Variant type: single nucleotide variant.
Coding change: c.739G>A on transcript NM_005609.4 (MANE Select); coding-DNA position 739, G replaced by A.
Protein change: p.Ala247Thr; replaces alanine 247 with threonine.
Molecular consequence: missense variant.
Genome position (GRCh38, 1-based): chr11:64,755,480, C>T on the plus strand (G>A on the coding strand, the complement: PYGM is on the minus strand). VCF-style: chr11-64755480-C-T. GRCh37 (hg19) VCF-style: chr11-64522952-C-T.
Other names: c.475G>A, p.Ala159Thr (NM_001164716.1); short protein forms A247T, A159T.
Identifiers: ClinVar variation 1943871 (VCV001943871.5), dbSNP rs778261564, ClinGen allele CA381180201.
Genomic context (GRCh38, chr11:64,755,480, plus strand): 5'-TTGCTGGCTACCAGTGGATGAACTCACAGTCCTTGAGGTTGAAGTCATTGGGAGCCTTGG[C>T]AGACCAGAGGCGCATGGTGTTGACAACATTGTTGCGATAGCCAGGCACGGGCGTATCGTA-3'
Protein context (NP_005600.1, residues 237-257): NVVNTMRLWS[Ala247Thr]KAPNDFNLKD

ClinVar aggregate classification (germline): Uncertain significance (1 of 4 stars; one submission).

Conditions:
Glycogen storage disease, type V (GSD5). Also called: McArdle type glycogen storage disease; MCARDLE DISEASE; MUSCLE GLYCOGEN PHOSPHORYLASE DEFICIENCY; MYOPHOSPHORYLASE DEFICIENCY; PYGM DEFICIENCY. Identifiers: Orphanet 368, MedGen C0017924, MONDO:0009293, OMIM 232600.

Submission:

Labcorp Genetics (formerly Invitae), Labcorp
Classification: Uncertain significance for Glycogen storage disease, type V. Last evaluated: 2022-06-14. Review status: criteria provided, single submitter. Criteria: Invitae Variant Classification Sherloc (09022015). Collection method: clinical testing. Allele origin: germline.
Comment: This sequence change replaces alanine, which is neutral and non-polar, with threonine, which is neutral and polar, at codon 247 of the PYGM protein (p.Ala247Thr). This variant is not present in population databases (gnomAD no frequency). This variant has not been reported in the literature in individuals affected with PYGM-related conditions. Algorithms developed to predict the effect of missense changes on protein structure and function are either unavailable or do not agree on the potential impact of this missense change (SIFT: "Not Available"; PolyPhen-2: "Probably Damaging"; Align-GVGD: "Not Available"). In summary, the available evidence is currently insufficient to determine the role of this variant in disease. Therefore, it has been classified as a Variant of Uncertain Significance.